The following is an entry in ClinVar:

ClinVar aggregate classification (germline): Pathogenic/Likely pathogenic. Review status: criteria provided, multiple submitters, no conflicts (2 of 4 stars). 2 submissions from 2 submitters: Pathogenic (1); Likely pathogenic (1). Last evaluated 2022-05-04.

Conditions:
SHOX-related short stature. Also called: SHORT STATURE, IDIOPATHIC, X-LINKED. Identifiers: Orphanet 314795, MedGen C1845118, MONDO:0010367, OMIM 300582. Disease mechanism: loss of function.
Leri-Weill dyschondrosteosis (LWD). Also called: Léri-Weill dyschondrosteosis; DYSCHONDROSTEOSIS; Leri-Weill Dyschondrosteosis (LWD). Identifiers: Orphanet 240, MedGen C0265309, MONDO:0007481, OMIM 127300.

Submissions (2):

Mendelics
Classification: Pathogenic for Leri-Weill dyschondrosteosis. Last evaluated: 2022-05-04. Review status: criteria provided, single submitter. Criteria: Mendelics Assertion Criteria 2019. Collection method: clinical testing. Allele origin: germline.

Laboratory of Human Genetics, UPO, University of Eastern Piedmont
Classification: Likely pathogenic for Short stature, idiopathic, X-linked. Last evaluated: 2019-01-02. Review status: criteria provided, single submitter. Criteria: ACMG Guidelines, 2015. Collection method: clinical testing, in vitro. Allele origin: germline, not applicable. Inheritance: Autosomal dominant inheritance. Affected: yes. Observed: 2 heterozygotes, 1 compound heterozygote. Clinical features observed: Short stature (HP:0004322).
Comment: c.-19G>A variant in SHOX has been reported in 3 Italian individuals with idiopathic short stature. This variant was absent in large population studies. Additionally, in vitro functional studies indicated that this variant create an alternative branch site within exon 2 causing an aberrant mRNA splicing.

NM_000451.4(SHOX):c.-19G>A

Gene: SHOX (SHOX homeobox; plus strand). Cytogenetic location: Xp22.33.
Variant type: single nucleotide variant.
Coding change: c.-19G>A on transcript NM_000451.4 (MANE Select); 19 bases upstream of the start codon, G replaced by A.
Molecular consequence: 5 prime UTR variant.
Genome position (GRCh38, 1-based): chrX:630,879, G>A. VCF-style: chrX-630879-G-A. GRCh37 (hg19) VCF-style: chrX-591614-G-A.
Other names: c.-19G>A (NM_006883.2).
Identifiers: ClinVar variation 933226 (VCV000933226.5), dbSNP rs201157428, ClinGen allele CA10329819.